The following is an entry in ClinVar:

ClinVar aggregate classification (germline): Pathogenic (1 of 4 stars; one submission).

Submission:

Labcorp Genetics (formerly Invitae), Labcorp
Classification: Pathogenic. Last evaluated: 2025-04-07. Review status: criteria provided, single submitter. Criteria: Invitae Variant Classification Sherloc (09022015). Collection method: clinical testing. Allele origin: germline.
Comment: This sequence change creates a premature translational stop signal (p.Met240Ilefs*7) in the ZNF341 gene. It is expected to result in an absent or disrupted protein product. Loss-of-function variants in ZNF341 are known to be pathogenic (PMID: 29907690, 29907691). This variant is not present in population databases (gnomAD no frequency). This variant has not been reported in the literature in individuals affected with ZNF341-related conditions. For these reasons, this variant has been classified as Pathogenic.

Literature cited by the submitters: PubMed 29907690; PubMed 29907691.

NM_001282933.2(ZNF341):c.720del (p.Met240fs)

Gene: ZNF341 (zinc finger protein 341; plus strand). Cytogenetic location: 20q11.22.
Variant type: Deletion.
Coding change: c.720del on transcript NM_001282933.2 (MANE Select); coding-DNA position 720, one base deleted (G; older notation c.720delG).
Protein change: p.Met240fs; shifts the reading frame from methionine 240.
Molecular consequence: frameshift variant. On other transcripts: non-coding transcript variant (1).
Genome position (GRCh38, 1-based): chr20:33,753,402, G deleted. VCF-style (leftmost placement, unchanged base first): chr20-33753401-TG-T. GRCh37 (hg19) VCF-style: chr20-32341207-TG-T.
Other names: c.450del, p.Met150fs (NM_001282935.2); c.720del, p.Met240fs (NM_032819.5); short protein forms M240fs, M150fs.
Identifiers: ClinVar variation 4716623 (VCV004716623.1).